The following is an entry in ClinVar:

NM_145861.4(EDARADD):c.454G>A (p.Glu152Lys)

Gene: EDARADD (EDAR associated via death domain; plus strand). Cytogenetic location: 1q43.
Variant type: single nucleotide variant.
Coding change: c.454G>A on transcript NM_145861.4 (MANE Select); coding-DNA position 454, G replaced by A.
Protein change: p.Glu152Lys; replaces glutamic acid 152 with lysine.
Molecular consequence: missense variant.
Genome position (GRCh38, 1-based): chr1:236,482,455, G>A. VCF-style: chr1-236482455-G-A. GRCh37 (hg19) VCF-style: chr1-236645755-G-A.
Other names: c.388G>A, p.Glu130Lys (NM_001422628.1); c.424G>A, p.Glu142Lys (NM_080738.5); short protein forms E142K, E152K, E130K.
Identifiers: ClinVar variation 4188 (VCV000004188.6), dbSNP rs74315309, ClinGen allele CA019415.

ClinVar aggregate classification (germline): Likely pathogenic. Review status: criteria provided, single submitter (1 of 4 stars). 3 submissions from 3 submitters: Likely pathogenic (1). 2 of the submissions do not count toward it. Last evaluated 2024-10-04.

Conditions:
Ectodermal dysplasia 11A, hypohidrotic/hair/tooth type, autosomal dominant. Identifiers: Orphanet 1810, Orphanet 238468, MedGen C3541517, MONDO:0013982, OMIM 614940.
Ectodermal dysplasia 11B, hypohidrotic/hair/tooth type, autosomal recessive. Identifiers: Orphanet 238468, Orphanet 248, MedGen C3539920, MONDO:0013983, OMIM 614941.
Ectodermal dysplasia 10A, hypohidrotic/hair/nail type, autosomal dominant (ECTD10A). Also called: Ectodermal Dysplasia 3, Anhidrotic. Identifiers: Orphanet 1810, Orphanet 238468, MedGen C3888065, MONDO:0007509, OMIM 129490.

Allele frequency attached by ClinVar (database versions not stated): gnomAD exomes 0.00001 and below 0.00001.
gnomAD v4.1: 11 of 1,614,162 alleles (0.00068%); highest among the groups gnomAD compares: African/African-American, 0.0013%; no homozygotes.

Submissions (3):

Dubai Health Genomic Medicine Center, Dubai Health
Classification: Likely pathogenic for Ectodermal dysplasia 11A, hypohidrotic/hair/tooth type, autosomal dominant. Last evaluated: 2024-10-04. Review status: criteria provided, single submitter. Criteria: ACMG Guidelines, 2015. Collection method: research. Allele origin: germline. Affected: yes.
Comment: PM3,PM2,PP3,PP1

OMIM
Classification: Pathogenic for ECTODERMAL DYSPLASIA 11B, HYPOHIDROTIC/HAIR/TOOTH TYPE, AUTOSOMAL RECESSIVE. Last evaluated: 2007-07-01. Review status: no assertion criteria provided. Collection method: literature only. Allele origin: germline. Not counted in ClinVar's aggregate classification.

GeneReviews
No classification provided. Condition: Ectodermal dysplasia 10A, hypohidrotic/hair/nail type, autosomal dominant. Review status: no classification provided. Collection method: literature only. Allele origin: germline. Not counted in ClinVar's aggregate classification.

Literature cited by the submitters: PubMed 9245989 (cited by OMIM); PubMed 11780064 (cited by OMIM and GeneReviews); PubMed 17354266 (cited by OMIM).